The following is an entry in ClinVar:

NM_014946.4(SPAST):c.1158T>A (p.Asn386Lys)

Gene: SPAST (spastin; plus strand). Cytogenetic location: 2p22.3.
Variant type: single nucleotide variant.
Coding change: c.1158T>A on transcript NM_014946.4 (MANE Select); coding-DNA position 1158, T replaced by A.
Protein change: p.Asn386Lys; replaces asparagine 386 with lysine.
Molecular consequence: missense variant.
Genome position (GRCh38, 1-based): chr2:32,127,007, T>A. VCF-style: chr2-32127007-T-A. GRCh37 (hg19) VCF-style: chr2-32352076-T-A.
Other names: c.1155T>A, p.Asn385Lys (NM_001363823.2); c.1059T>A, p.Asn353Lys (NM_001363875.2); c.1062T>A, p.Asn354Lys (NM_001377959.1, NM_199436.2); short protein forms N353K, N354K, N385K, N386K.
Identifiers: ClinVar variation 4850800 (VCV004850800.1).

ClinVar aggregate classification (germline): Likely pathogenic (1 of 4 stars; one submission).

Conditions:
Hereditary spastic paraplegia 4. Also called: Spastic paraplegia 4, autosomal dominant; Familial spastic paraplegia autosomal dominant 2; Spastic Paraplegia 4. Identifiers: Orphanet 100985, MedGen C1866855, MONDO:0008438, OMIM 182601.

Submission:

Variantyx, Inc.
Classification: Likely pathogenic for Hereditary spastic paraplegia 4. Last evaluated: 2025-10-02. Review status: criteria provided, single submitter. Criteria: Variantyx Assertion Criteria 2022. Collection method: clinical testing. Allele origin: germline. Inheritance: Autosomal dominant inheritance. Affected: yes.
Comment: This is a nonsynonymous variant in the SPAST gene (OMIM: 604277). Pathogenic variants in this gene have been associated with autosomal dominant spastic paraplegia 4. This variant has been reported in at least one affected individual (PMID: 30476002) (PS4). An alternate nucleotide substitution resulting in the same amino acid change (c.1158T>G) has been previously reported as pathogenic (PMID: 10699187, 35487127) (PS1)\, and multiple computational algorithms predict a deleterious effect for this variant (REVEL score: 0.755) (PP3). This variant is absent from control populations (PM2). Based on the current evidence, this variant is classified as likely pathogenic for autosomal dominant spastic paraplegia 4. Inheritance from an unaffected or mildly affected parent has been reported, consistent with incomplete penetrance and variable expressivity (PMID: 20301339).

Literature cited by the submitters: PubMed 30476002; PubMed 15210521; PubMed 20559269; PubMed 23400676; PubMed 10699187; PubMed 35487127.